The following is an entry in ClinVar:

ClinVar aggregate classification (germline): Benign/Likely benign. Review status: criteria provided, multiple submitters, no conflicts (2 of 4 stars). 10 submissions from 9 submitters: Benign (8); Likely benign (2). Last evaluated 2026-01-28.

Conditions:
Charcot-Marie-Tooth disease type 4. Also called: Charcot-Marie-Tooth disease, type IV; Charcot-Marie-Tooth, Type 4. Identifiers: Orphanet 64749, MedGen C4082197, MONDO:0018995.
Charcot-Marie-Tooth disease. Also called: Charcot-Marie-Tooth Hereditary Neuropathy; Charcot-Marie-Tooth Neuropathy. Identifiers: Orphanet 166, MedGen C0007959, MONDO:0015626.
Charcot-Marie-Tooth disease type 4J (CMT4J). Also called: CHARCOT-MARIE-TOOTH DISEASE, AUTOSOMAL RECESSIVE, TYPE 4J; Charcot-Marie-Tooth Neuropathy Type 4J; CHARCOT-MARIE-TOOTH DISEASE, DEMYELINATING, TYPE 4J. Identifiers: Orphanet 139515, MedGen C1970011, MONDO:0012640, OMIM 611228.
Amyotrophic lateral sclerosis type 11 (ALS11). Identifiers: Orphanet 803, MedGen C2675491, MONDO:0012945, OMIM 612577.

Allele frequency attached by ClinVar (database versions not stated): gnomAD exomes 0.00032 and 0.00098; ExAC 0.00123; gnomAD 0.00381 and 0.00411; TOPMed 0.00433; 1000 Genomes Project 0.00439; 1000 Genomes Project 30x 0.00468; ESP Exome Variant Server 0.00484.
gnomAD v4.1: 1,068 of 1,613,224 alleles (0.066%); highest among the groups gnomAD compares: African/African-American, 1.3%; 8 homozygotes.

Submissions (10):

Labcorp Genetics (formerly Invitae), Labcorp
Classification: Benign for Charcot-Marie-Tooth disease type 4. Last evaluated: 2026-01-28. Review status: criteria provided, single submitter. Criteria: Invitae Variant Classification Sherloc (09022015). Collection method: clinical testing. Allele origin: germline.

Mayo Clinic Laboratories, Mayo Clinic
Classification: Benign. Last evaluated: 2025-01-06. Review status: criteria provided, single submitter. Criteria: ACMG Guidelines, 2015. Collection method: clinical testing. Allele origin: germline. Observed: 5 variant alleles.
Comment: BS1, BS2

CeGaT Center for Human Genetics Tuebingen
Classification: Likely benign. Last evaluated: 2024-11-01. Review status: criteria provided, single submitter. Criteria: CeGaT Center For Human Genetics Tuebingen Variant Classification Criteria Version 2. Collection method: clinical testing. Allele origin: germline. Affected: yes. Observed: 1 variant allele.
Comment: FIG4: BS1

Genetic Services Laboratory, University of Chicago
Classification: Benign. Last evaluated: 2021-10-12. Review status: criteria provided, single submitter. Criteria: ACMG Guidelines, 2015. Collection method: clinical testing. Allele origin: germline. Affected: no.

ARUP Laboratories, Molecular Genetics and Genomics, ARUP Laboratories
Classification: Benign. Last evaluated: 2019-12-18. Review status: criteria provided, single submitter. Criteria: ARUP Molecular Germline Variant Investigation Process. Collection method: clinical testing. Allele origin: germline.

GeneDx
Classification: Benign. Last evaluated: 2019-09-10. Review status: criteria provided, single submitter. Criteria: GeneDx Variant Classification Process June 2021. Collection method: clinical testing. Allele origin: germline. Affected: yes.
Comment: This variant is associated with the following publications: (PMID: 21705420)

Illumina Laboratory Services, Illumina
Classification: Benign for Charcot-Marie-Tooth disease type 4J. Last evaluated: 2018-01-12. Review status: criteria provided, single submitter. Criteria: ICSL Variant Classification Criteria 13 December 2019. Collection method: clinical testing. Allele origin: germline.
Comment: This variant was observed in the ICSL laboratory as part of a predisposition screen in an ostensibly healthy population. It had not been previously curated by ICSL or reported in the Human Gene Mutation Database (HGMD: prior to June 1st, 2018), and was therefore a candidate for classification through an automated scoring system. Utilizing variant allele frequency, disease prevalence and penetrance estimates, and inheritance mode, an automated score was calculated to assess if this variant is too frequent to cause the disease. Based on the score and internal cut-off values, a variant classified as benign is not then subjected to further curation. The score for this variant resulted in a classification of benign for this disease.

Illumina Laboratory Services, Illumina
Classification: Benign for Amyotrophic lateral sclerosis type 11. Last evaluated: 2018-01-12. Review status: criteria provided, single submitter. Criteria: ICSL Variant Classification Criteria 13 December 2019. Collection method: clinical testing. Allele origin: germline.
Comment: the same text as in the submission from Illumina Laboratory Services, Illumina above.

Molecular Genetics Laboratory, London Health Sciences Centre
Classification: Likely benign for Charcot-Marie-Tooth disease. Review status: criteria provided, single submitter. Criteria: ACMG Guidelines, 2015. Collection method: clinical testing. Allele origin: germline. Affected: yes.

PreventionGenetics, part of Exact Sciences
Classification: Benign. Review status: criteria provided, single submitter. Criteria: ACMG Guidelines, 2015. Collection method: clinical testing. Allele origin: germline.

NM_014845.6(FIG4):c.808A>G (p.Thr270Ala)

Gene: FIG4 (FIG4 phosphoinositide 5-phosphatase; plus strand). Cytogenetic location: 6q21.
Variant type: single nucleotide variant.
Coding change: c.808A>G on transcript NM_014845.6 (MANE Select); coding-DNA position 808, A replaced by G.
Protein change: p.Thr270Ala; replaces threonine 270 with alanine.
Molecular consequence: missense variant.
Genome position (GRCh38, 1-based): chr6:109,741,476, A>G. VCF-style: chr6-109741476-A-G. GRCh37 (hg19) VCF-style: chr6-110062679-A-G.
Other names: p.Thr270Ala; short protein forms T270A.
Identifiers: ClinVar variation 260452 (VCV000260452.43), dbSNP rs61729092, ClinGen allele CA3955915.